The following is an entry in ClinVar:

ClinVar aggregate classification (germline): Benign (0 of 4 stars; one submission).

Conditions:
NCOR2-related disorder. Also called: NCOR2-related condition.

Allele frequency attached by ClinVar (database versions not stated): ESP Exome Variant Server 0.00017; TOPMed 0.00041; gnomAD 0.00077; ExAC 0.00328; 1000 Genomes Project 30x 0.00453; 1000 Genomes Project 0.00499.
gnomAD v4.1: 1,749 of 1,486,530 alleles (0.12%); highest among the groups gnomAD compares: South Asian, 1.7%; 17 homozygotes.

Submission:

PreventionGenetics, part of Exact Sciences
Classification: Benign for NCOR2-related condition. Last evaluated: 2019-11-13. Review status: no assertion criteria provided. Collection method: clinical testing. Allele origin: germline.
Comment: This variant is classified as benign based on ACMG/AMP sequence variant interpretation guidelines (Richards et al. 2015 PMID: 25741868, with internal and published modifications).

NM_006312.6(NCOR2):c.5796C>T (p.Pro1932=)

Gene: NCOR2 (nuclear receptor corepressor 2; minus strand). Cytogenetic location: 12q24.31.
Variant type: single nucleotide variant.
Coding change: c.5796C>T on transcript NM_006312.6 (MANE Select); coding-DNA position 5796, C replaced by T.
Protein change: p.Pro1932=; no amino-acid change (proline 1932 retained).
Molecular consequence: synonymous variant.
Genome position (GRCh38, 1-based): chr12:124,337,072, G>A on the plus strand (C>T on the coding strand, the complement: NCOR2 is on the minus strand). VCF-style: chr12-124337072-G-A. GRCh37 (hg19) VCF-style: chr12-124821618-G-A.
Other names: c.5766C>T, p.Pro1922= (NM_001077261.4, NM_001206654.2).
Identifiers: ClinVar variation 3045455 (VCV003045455.2), dbSNP rs199729163, ClinGen allele CA6867750.